The following is an entry in ClinVar:

NM_000732.6(CD3D):c.274+4C>T

Gene: CD3D (CD3 delta subunit of T-cell receptor complex; minus strand). Cytogenetic location: 11q23.3.
Variant type: single nucleotide variant.
Coding change: c.274+4C>T on transcript NM_000732.6 (MANE Select); 4 bases into the intron after coding-DNA position 274, C replaced by T.
Molecular consequence: intron variant.
Genome position (GRCh38, 1-based): chr11:118,340,371, G>A on the plus strand (C>T on the coding strand, the complement: CD3D is on the minus strand). VCF-style: chr11-118340371-G-A. GRCh37 (hg19) VCF-style: chr11-118211086-G-A.
Other names: c.274+4C>T (NM_001040651.2).
Identifiers: ClinVar variation 302671 (VCV000302671.13), dbSNP rs201299420, ClinGen allele CA6301959.

ClinVar aggregate classification (germline): Uncertain significance. Review status: criteria provided, multiple submitters, no conflicts (2 of 4 stars). 4 submissions from 4 submitters: Uncertain significance (4). Last evaluated 2026-04-14.

Conditions:
Immunodeficiency 19 (IMD19). Also called: IMMUNODEFICIENCY 19, SEVERE COMBINED; CD3-DELTA DEFICIENCY; SEVERE COMBINED IMMUNODEFICIENCY, T CELL-NEGATIVE, B CELL-POSITIVE, NK CELL-POSITIVE; SCID, T CELL-NEGATIVE, B CELL-POSITIVE, NK CELL-POSITIVE. Identifiers: MedGen C3810147, MONDO:0014280, OMIM 615617.

Allele frequency attached by ClinVar (database versions not stated): ExAC 0.00008; ESP Exome Variant Server 0.00008; gnomAD exomes 0.00010 and 0.00012; gnomAD 0.00013 and 0.00014; TOPMed 0.00013.
gnomAD v4.1: 195 of 1,610,320 alleles (0.012%); highest among the groups gnomAD compares: Admixed American, 0.017%; no homozygotes.

Submissions (4):

Women's Health and Genetics/Laboratory Corporation of America, LabCorp
Classification: Uncertain significance. Last evaluated: 2026-04-14. Review status: criteria provided, single submitter. Criteria: LabCorp Variant Classification Summary - May 2015. Collection method: clinical testing. Allele origin: germline.

Blueprint Genetics
Classification: Uncertain significance. Last evaluated: 2024-08-19. Review status: criteria provided, single submitter. Criteria: ACMG Guidelines, 2015. Collection method: clinical testing. Allele origin: germline.

Labcorp Genetics (formerly Invitae), Labcorp
Classification: Uncertain significance for Immunodeficiency 19. Last evaluated: 2022-10-17. Review status: criteria provided, single submitter. Criteria: Invitae Variant Classification Sherloc (09022015). Collection method: clinical testing. Allele origin: germline.
Comment: This sequence change falls in intron 2 of the CD3D gene. It does not directly change the encoded amino acid sequence of the CD3D protein. It affects a nucleotide within the consensus splice site. This variant is present in population databases (rs201299420, gnomAD 0.02%). This variant has not been reported in the literature in individuals affected with CD3D-related conditions. ClinVar contains an entry for this variant (Variation ID: 302671). Variants that disrupt the consensus splice site are a relatively common cause of aberrant splicing (PMID: 17576681, 9536098). Algorithms developed to predict the effect of sequence changes on RNA splicing suggest that this variant is not likely to affect RNA splicing. In summary, the available evidence is currently insufficient to determine the role of this variant in disease. Therefore, it has been classified as a Variant of Uncertain Significance.

Illumina Laboratory Services, Illumina
Classification: Uncertain significance for Immunodeficiency 19. Last evaluated: 2018-01-13. Review status: criteria provided, single submitter. Criteria: ICSL Variant Classification Criteria 13 December 2019. Collection method: clinical testing. Allele origin: germline.

Literature cited by the submitters: PubMed 17576681 (cited by Labcorp Genetics (formerly Invitae), Labcorp); PubMed 9536098 (cited by Labcorp Genetics (formerly Invitae), Labcorp).